The following is an entry in ClinVar:

NM_018943.3(TUBA8):c.814T>C (p.Tyr272His)

Gene: TUBA8 (tubulin alpha 8; plus strand). Cytogenetic location: 22q11.21.
Variant type: single nucleotide variant.
Coding change: c.814T>C on transcript NM_018943.3 (MANE Select); coding-DNA position 814, T replaced by C.
Protein change: p.Tyr272His; replaces tyrosine 272 with histidine.
Molecular consequence: missense variant.
Genome position (GRCh38, 1-based): chr22:18,126,792, T>C. VCF-style: chr22-18126792-T-C. GRCh37 (hg19) VCF-style: chr22-18609559-T-C.
Other names: c.616T>C, p.Tyr206His (NM_001193414.2); short protein forms Y272H, Y206H.
Identifiers: ClinVar variation 3719117 (VCV003719117.2).
Genomic context (GRCh38, chr22:18,126,792, plus strand): 5'-CTCACTGAGTTCCAGACCAACCTGGTGCCCTACCCCCGCATCCACTTCCCGCTGGTCACC[T>C]ACGCGCCCATCATCTCTGCCGAGAAAGCCTATCACGAACAGCTCTCTGTGGCCGAGATAA-3'
Protein context (NP_061816.1, residues 262-282): YPRIHFPLVT[Tyr272His]APIISAEKAY

ClinVar aggregate classification (germline): Uncertain significance (1 of 4 stars; one submission).

Submission:

Labcorp Genetics (formerly Invitae), Labcorp
Classification: Uncertain significance. Last evaluated: 2024-04-06. Review status: criteria provided, single submitter. Criteria: Invitae Variant Classification Sherloc (09022015). Collection method: clinical testing. Allele origin: germline.
Comment: This sequence change replaces tyrosine, which is neutral and polar, with histidine, which is basic and polar, at codon 272 of the TUBA8 protein (p.Tyr272His). This variant is not present in population databases (gnomAD no frequency). This variant has not been reported in the literature in individuals affected with TUBA8-related conditions. Advanced modeling of protein sequence and biophysical properties (such as structural, functional, and spatial information, amino acid conservation, physicochemical variation, residue mobility, and thermodynamic stability) has been performed at Invitae for this missense variant, however the output from this modeling did not meet the statistical confidence thresholds required to predict the impact of this variant on TUBA8 protein function. In summary, the available evidence is currently insufficient to determine the role of this variant in disease. Therefore, it has been classified as a Variant of Uncertain Significance.